The following is an entry in ClinVar:

NM_001267550.2(TTN):c.70982C>T (p.Pro23661Leu)

Genes: TTN (titin; minus strand), TTN-AS1 (TTN antisense RNA 1; plus strand). Cytogenetic location: 2q31.2.
Variant type: single nucleotide variant.
Coding change: c.70982C>T on transcript NM_001267550.2 (MANE Select); coding-DNA position 70982, C replaced by T.
Protein change: p.Pro23661Leu; replaces proline 23661 with leucine.
Molecular consequence: missense variant.
Genome position (GRCh38, 1-based): chr2:178,575,150, G>A on the plus strand (C>T on the coding strand, the complement: TTN is on the minus strand). VCF-style: chr2-178575150-G-A. GRCh37 (hg19) VCF-style: chr2-179439877-G-A.
Other names: c.66059C>T, p.Pro22020Leu (NM_001256850.1); c.43787C>T, p.Pro14596Leu (NM_003319.4); c.63278C>T, p.Pro21093Leu (NM_133378.4); c.44162C>T, p.Pro14721Leu (NM_133432.3); c.44363C>T, p.Pro14788Leu (NM_133437.4); c.70982C>T (NM_001267550.1); short protein forms P23661L, P14721L, P22020L, P14596L, P21093L, P14788L.
Identifiers: ClinVar variation 404816 (VCV000404816.50), dbSNP rs1060500459, ClinGen allele CA16610326.
Genomic context (GRCh38, chr2:178,575,150, plus strand): 5'-TTAACTCTCTGTGTCTGTTTAAGAATTTGGTCTCCTTTTTTCCATGTCACTGTGGGCTTC[G>A]GTCGACCGAGCACTGGAATTTCAACTTTGATGTTGTCACCAGCTTTGGCAATGACCAGTT-3'
Protein context (NP_001254479.2, residues 23651-23671): IKVEIPVLGR[Pro23661Leu]KPTVTWKKGD

ClinVar aggregate classification (germline): Uncertain significance. Review status: criteria provided, multiple submitters, no conflicts (2 of 4 stars). 7 submissions from 7 submitters: Uncertain significance (7). Last evaluated 2025-10-31.

Conditions:
Cardiovascular phenotype. Identifiers: MedGen CN230736.
TTN-related disorder. Also called: TTN-related condition; TTN-related disease; TTN-related disorders.
Autosomal recessive limb-girdle muscular dystrophy type 2J (LGMDR10). Also called: Limb-girdle muscular dystrophy, type 2J; MUSCULAR DYSTROPHY, LIMB-GIRDLE, AUTOSOMAL RECESSIVE 10. Identifiers: Orphanet 140922, MedGen C1837342, MONDO:0012127, OMIM 608807.
Dilated cardiomyopathy 1G (CMD1G). Identifiers: Orphanet 154, MedGen C1858763, MONDO:0011400, OMIM 604145.

Allele frequency attached by ClinVar (database versions not stated): gnomAD exomes below 0.00001 and 0.00001; gnomAD 0.00001; TOPMed 0.00001.
gnomAD v4.1: 20 of 1,612,366 alleles (0.0012%); highest among the groups gnomAD compares: South Asian, 0.0022%; no homozygotes.

Submissions (7):

PreventionGenetics, part of Exact Sciences
Classification: Uncertain significance for TTN-related condition. Last evaluated: 2025-10-31. Review status: criteria provided, single submitter. Criteria: ACMG Guidelines, 2015. Collection method: clinical testing. Allele origin: germline.
Comment: The TTN c.70982C>T variant is predicted to result in the amino acid substitution p.Pro23661Leu. This variant has been reported in an individual who underwent orthotopic heart transplantation and also harbored a likely pathogenic nonsense variant in TTN (Bekele et al. 2024. PubMed ID: 39063061). This variant is reported in 0.00090% of alleles in individuals of European (Non-Finnish) descent in gnomAD. At this time, the clinical significance of this variant is uncertain due to the absence of conclusive functional and genetic evidence.

Athena Diagnostics
Classification: Uncertain significance. Last evaluated: 2025-10-09. Review status: criteria provided, single submitter. Criteria: Athena Diagnostics Criteria. Collection method: clinical testing. Allele origin: unknown.
Comment: Available data are insufficient to determine the clinical significance of the variant at this time. The frequency of this variant in the general population is uninformative in assessment of its pathogenicity. Polyphen and MutationTaster yielded discordant predictions regarding whether this amino acid change is damaging to the protein.

Revvity Omics, Revvity
Classification: Uncertain significance. Last evaluated: 2023-06-13. Review status: criteria provided, single submitter. Criteria: ACMG Guidelines, 2015. Collection method: clinical testing. Allele origin: germline.

AiLife Diagnostics
Classification: Uncertain significance. Last evaluated: 2021-12-27. Review status: criteria provided, single submitter. Criteria: ACMG Guidelines, 2015. Collection method: clinical testing. Allele origin: germline. Affected: yes. Observed: 1 variant allele.

Ambry Genetics
Classification: Uncertain significance for Cardiovascular phenotype. Last evaluated: 2019-12-04. Review status: criteria provided, single submitter. Criteria: Ambry Variant Classification Scheme 2023. Collection method: clinical testing. Allele origin: germline.
Comment: The p.P14596L variant (also known as c.43787C>T), located in coding exon 153 of the TTN gene, results from a C to T substitution at nucleotide position 43787. The proline at codon 14596 is replaced by leucine, an amino acid with similar properties. This amino acid position is highly conserved in available vertebrate species. In addition, the in silico prediction for this alteration is inconclusive. Since supporting evidence is limited at this time, the clinical significance of this alteration remains unclear.

CeGaT Center for Human Genetics Tuebingen
Classification: Uncertain significance. Last evaluated: 2019-04-01. Review status: criteria provided, single submitter. Criteria: CeGaT Center For Human Genetics Tuebingen Variant Classification Criteria Version 2. Collection method: clinical testing. Allele origin: germline. Affected: yes. Observed: 1 variant allele.

Labcorp Genetics (formerly Invitae), Labcorp
Classification: Uncertain significance for Dilated cardiomyopathy 1G; Autosomal recessive limb-girdle muscular dystrophy type 2J. Last evaluated: 2016-06-11. Review status: criteria provided, single submitter. Criteria: Invitae Variant Classification Sherloc (09022015). Collection method: clinical testing. Allele origin: germline.

Literature cited by the submitters: PubMed 39063061 (cited by Athena Diagnostics); PubMed 33432171 (cited by Athena Diagnostics).